The following is an entry in ClinVar:

ClinVar aggregate classification (germline): Uncertain significance (1 of 4 stars; one submission).

Conditions:
Proline dehydrogenase deficiency (HYRPRO1). Also called: Hyperprolinemia type 1; PROLINE OXIDASE DEFICIENCY. Identifiers: Orphanet 419, MedGen C0268529, MONDO:0009400, OMIM 239500.

Submission:

Labcorp Genetics (formerly Invitae), Labcorp
Classification: Uncertain significance for Proline dehydrogenase deficiency. Last evaluated: 2022-07-12. Review status: criteria provided, single submitter. Criteria: Invitae Variant Classification Sherloc (09022015). Collection method: clinical testing. Allele origin: germline.
Comment: This sequence change replaces serine, which is neutral and polar, with alanine, which is neutral and non-polar, at codon 346 of the PRODH protein (p.Ser346Ala). This variant is not present in population databases (gnomAD no frequency). This variant has not been reported in the literature in individuals affected with PRODH-related conditions. ClinVar contains an entry for this variant (Variation ID: 1007263). Algorithms developed to predict the effect of missense changes on protein structure and function (SIFT, PolyPhen-2, Align-GVGD) all suggest that this variant is likely to be tolerated. In summary, the available evidence is currently insufficient to determine the role of this variant in disease. Therefore, it has been classified as a Variant of Uncertain Significance.

NM_016335.6(PRODH):c.1036T>G (p.Ser346Ala)

Gene: PRODH (proline dehydrogenase 1; minus strand). Cytogenetic location: 22q11.21.
Variant type: single nucleotide variant.
Coding change: c.1036T>G on transcript NM_016335.6 (MANE Select); coding-DNA position 1036, T replaced by G.
Protein change: p.Ser346Ala; replaces serine 346 with alanine.
Molecular consequence: missense variant.
Genome position (GRCh38, 1-based): chr22:18,919,774, A>C on the plus strand (T>G on the coding strand, the complement: PRODH is on the minus strand). VCF-style: chr22-18919774-A-C. GRCh37 (hg19) VCF-style: chr22-18907287-A-C.
Other names: c.712T>G, p.Ser238Ala (NM_001195226.2); short protein forms S238A, S346A.
Identifiers: ClinVar variation 1007263 (VCV001007263.6), dbSNP rs2081951548, ClinGen allele CA410645379.